The following is an entry in ClinVar:

NM_004304.5(ALK):c.2914G>T (p.Val972Leu)

Gene: ALK (ALK receptor tyrosine kinase; minus strand). Cytogenetic location: 2p23.2.
Variant type: single nucleotide variant.
Coding change: c.2914G>T on transcript NM_004304.5 (MANE Select); coding-DNA position 2914, G replaced by T.
Protein change: p.Val972Leu; replaces valine 972 with leucine.
Molecular consequence: missense variant.
Genome position (GRCh38, 1-based): chr2:29,227,574, C>A on the plus strand (G>T on the coding strand, the complement: ALK is on the minus strand). VCF-style: chr2-29227574-C-A. GRCh37 (hg19) VCF-style: chr2-29450440-C-A.
Other names: short protein forms V972L.
Identifiers: ClinVar variation 3343159 (VCV003343159.1).
Genomic context (GRCh38, chr2:29,227,574, plus strand): 5'-TTAGCTTGGTGGGAGGACTGACCTAAGCAAGTTTGTTCTGCTGCCTGGCAGAGAAGCTAC[C>A]TTTTAAAGCTGGGGTGTACAGGATGCCCAGTGGACTGATGAAGGAAACCCCATCTTCCCC-3'
Protein context (NP_004295.2, residues 962-982): LGILYTPALK[Val972Leu]MEGHGEVNIK

ClinVar aggregate classification (germline): Uncertain significance (1 of 4 stars; one submission).

Submission:

GeneDx
Classification: Uncertain significance. Last evaluated: 2023-04-24. Review status: criteria provided, single submitter. Criteria: GeneDx Variant Classification Process June 2021. Collection method: clinical testing. Allele origin: germline. Affected: yes.
Comment: Not observed at significant frequency in large population cohorts (gnomAD); In silico analysis supports a deleterious effect on splicing; In silico analysis supports that this missense variant does not alter protein structure/function; Has not been previously published as pathogenic or benign to our knowledge